The following is an entry in ClinVar:

NM_000384.3(APOB):c.12347A>G (p.Tyr4116Cys)

Gene: APOB (apolipoprotein B; minus strand). Cytogenetic location: 2p24.1.
Variant type: single nucleotide variant.
Coding change: c.12347A>G on transcript NM_000384.3 (MANE Select); coding-DNA position 12347, A replaced by G.
Protein change: p.Tyr4116Cys; replaces tyrosine 4116 with cysteine.
Molecular consequence: missense variant.
Genome position (GRCh38, 1-based): chr2:21,003,075, T>C on the plus strand (A>G on the coding strand, the complement: APOB is on the minus strand). VCF-style: chr2-21003075-T-C. GRCh37 (hg19) VCF-style: chr2-21225947-T-C.
Other names: short protein forms Y4116C.
Identifiers: ClinVar variation 4532490 (VCV004532490.1).
Genomic context (GRCh38, chr2:21,003,075, plus strand): 5'-CCACTGGCTGCTTTCTGGAACCTCACGTCGATATCATCAATTTGCCTAATGGCCCCTTGA[T>C]AAACCCACTCAGCATTGTTCTGCAGATTTCTTCTCAGCTTTGAAGACACTTCTCTCAGGG-3'
Protein context (NP_000375.3, residues 4106-4126): RNLQNNAEWV[Tyr4116Cys]QGAIRQIDDI

ClinVar aggregate classification (germline): Uncertain significance (1 of 4 stars; one submission).

gnomAD v4.1: 1 of 1,578,886 alleles (0.000063%); highest among the groups gnomAD compares: African/African-American, 0.0014%; no homozygotes.

Submission:

GeneDx
Classification: Uncertain significance. Last evaluated: 2025-05-27. Review status: criteria provided, single submitter. Criteria: GeneDx Variant Classification Process June 2021. Collection method: clinical testing. Allele origin: germline. Affected: yes.
Comment: Not observed at significant frequency in large population cohorts (gnomAD); In silico analysis supports that this missense variant has a deleterious effect on protein structure/function; Has not been previously published as pathogenic or benign to our knowledge